The following is an entry in ClinVar:

ClinVar aggregate classification (germline): Benign/Likely benign. Review status: criteria provided, multiple submitters, no conflicts (2 of 4 stars). 2 submissions from 2 submitters: Benign (1); Likely benign (1). Last evaluated 2026-03-01.

Allele frequency attached by ClinVar (database versions not stated): 1000 Genomes Project 30x 0.00156; 1000 Genomes Project 0.00180; gnomAD 0.00211 and 0.00231; TOPMed 0.00244; ESP Exome Variant Server 0.00315.
gnomAD v4.1: 613 of 1,613,854 alleles (0.038%); highest among the groups gnomAD compares: African/African-American, 0.75%; 2 homozygotes.

Submissions (3):

CeGaT Center for Human Genetics Tuebingen
Classification: Likely benign. Last evaluated: 2026-03-01. Review status: criteria provided, single submitter. Criteria: CeGaT Center For Human Genetics Tuebingen Variant Classification Criteria Version 2. Collection method: clinical testing. Allele origin: germline. Affected: yes. Observed: 1 variant allele.
Comment: KDM3B: BP4, BP7, BS1

Labcorp Genetics (formerly Invitae), Labcorp
Classification: Benign. Last evaluated: 2018-06-14. Review status: criteria provided, single submitter. Criteria: Invitae Variant Classification Sherloc (09022015). Collection method: clinical testing. Allele origin: germline.

Dr. Peter K. Rogan Lab, Western University
No classification provided (evidence only). Condition: Uterine carcinosarcoma. Review status: no classification provided. Collection method: in vitro. Allele origin: not applicable. Functional consequence: skipped exon. Not counted in ClinVar's aggregate classification.

NM_016604.4(KDM3B):c.3951G>T (p.Pro1317=)

Gene: KDM3B (lysine demethylase 3B; plus strand). Cytogenetic location: 5q31.2.
Variant type: single nucleotide variant.
Coding change: c.3951G>T on transcript NM_016604.4 (MANE Select); coding-DNA position 3951, G replaced by T.
Protein change: p.Pro1317=; no amino-acid change (proline 1317 retained).
Molecular consequence: synonymous variant.
Genome position (GRCh38, 1-based): chr5:138,420,941, G>T. VCF-style: chr5-138420941-G-T. GRCh37 (hg19) VCF-style: chr5-137756630-G-T.
Other names: NC_000005.9:g.137756630G>T.
Identifiers: ClinVar variation 714259 (VCV000714259.8), dbSNP rs144228142, ClinGen allele CA3429366.
Genomic context (GRCh38, chr5:138,420,941, plus strand): 5'-TCACTCCGGGCCGGGAAAACTTCCTCAAACCCCCTTGGACACAGGCATACCCTTTCCCCC[G>T]GTCTTCTCTACATCCTCAGCAGTAAGTGTCCTCTGCAACTGTAGCCTTTTCAGCTTTTCC-3'
Protein context (NP_057688.3, residues 1307-1327): TPLDTGIPFP[Pro1317=]VFSTSSAGVK